The following is an entry in ClinVar:

ClinVar aggregate classification (germline): Uncertain significance (1 of 4 stars; one submission).

Allele frequency attached by ClinVar (database versions not stated): gnomAD exomes below 0.00001.
gnomAD v4.1: 1 of 1,583,672 alleles (0.000063%); highest among the groups gnomAD compares: Non-Finnish European, 0.000086%; no homozygotes.

Submission:

Women's Health and Genetics/Laboratory Corporation of America, LabCorp
Classification: Uncertain significance. Last evaluated: 2022-07-20. Review status: criteria provided, single submitter. Criteria: LabCorp Variant Classification Summary - May 2015. Collection method: clinical testing. Allele origin: germline.
Comment: Variant summary: PRKDC c.9553C>T (p.Arg3185X; aka. c.9556C>T (p.R3186X)) results in a premature termination codon, predicted to cause a truncation of the encoded protein or absence of the protein due to nonsense mediated decay, which are commonly known mechanisms for disease, however, current published evidence is not sufficient to determine whether loss-of-function variants in the PRKDC gene are associated with disease. No truncations have been reported in patients affected with Severe Combined Immunodeficiency (HGMD). The variant is located 2 nucleotides upstream from a canonical splice site: 4/4 computational tools predict no significant impact on normal splicing. However, these predictions have yet to be confirmed by functional studies. The variant was absent in 227934 control chromosomes (gnomAD). To our knowledge, no occurrence of c.9553C>T in individuals affected with Severe Combined Immunodeficiency and no experimental evidence demonstrating its impact on protein function have been reported. No clinical diagnostic laboratories have submitted clinical-significance assessments for this variant to ClinVar after 2014. Based on the evidence outlined above, the variant was classified as VUS-possibly pathogenic.

NM_006904.7(PRKDC):c.9556C>T (p.Arg3186Ter)

Gene: PRKDC (protein kinase, DNA-activated, catalytic subunit; minus strand). Cytogenetic location: 8q11.21.
Variant type: single nucleotide variant.
Coding change: c.9556C>T on transcript NM_006904.7 (MANE Select); coding-DNA position 9556, C replaced by T.
Protein change: p.Arg3186Ter; replaces arginine 3186 with a stop codon.
Molecular consequence: nonsense.
Genome position (GRCh38, 1-based): chr8:47,817,451, G>A on the plus strand (C>T on the coding strand, the complement: PRKDC is on the minus strand). VCF-style: chr8-47817451-G-A. GRCh37 (hg19) VCF-style: chr8-48730012-G-A.
Other names: c.9556C>T, p.Arg3186Ter (NM_001081640.2); short protein forms R3186*.
Identifiers: ClinVar variation 1704555 (VCV001704555.1), dbSNP rs1404783623, ClinGen allele CA371136948.